The following is an entry in ClinVar:

NM_001365951.3(KIF1B):c.3633T>C (p.Ser1211=)

Gene: KIF1B (kinesin family member 1B; plus strand). Cytogenetic location: 1p36.22.
Variant type: single nucleotide variant.
Coding change: c.3633T>C on transcript NM_001365951.3 (MANE Select); coding-DNA position 3633, T replaced by C.
Protein change: p.Ser1211=; no amino-acid change (serine 1211 retained).
Molecular consequence: synonymous variant.
Genome position (GRCh38, 1-based): chr1:10,343,232, T>C. VCF-style: chr1-10343232-T-C. GRCh37 (hg19) VCF-style: chr1-10403290-T-C.
Other names: c.3633T>C, p.Ser1211= (NM_001365952.1); c.3495T>C, p.Ser1165= (NM_015074.3).
Identifiers: ClinVar variation 4700023 (VCV004700023.2).

ClinVar aggregate classification (germline): Conflicting classifications of pathogenicity. Review status: criteria provided, conflicting classifications (1 of 4 stars). 2 submissions from 2 submitters: Uncertain significance (1); Likely benign (1). Last evaluated 2026-03-10.

Conditions:
Charcot-Marie-Tooth disease type 2. Also called: Charcot-Marie-Tooth type 2. Identifiers: Orphanet 64746, MedGen C0270914, MONDO:0018993.

gnomAD v4.1: 1 of 1,614,144 alleles (0.000062%); highest among the groups gnomAD compares: East Asian, 0.0022%; no homozygotes.

Submissions (2):

Ambry Genetics
Classification: Likely benign. Last evaluated: 2026-03-10. Review status: criteria provided, single submitter. Criteria: Ambry Variant Classification Scheme 2023. Collection method: clinical testing. Allele origin: germline.

Labcorp Genetics (formerly Invitae), Labcorp
Classification: Uncertain significance for Charcot-Marie-Tooth disease type 2. Last evaluated: 2025-09-14. Review status: criteria provided, single submitter. Criteria: Invitae Variant Classification Sherloc (09022015). Collection method: clinical testing. Allele origin: germline.
Comment: This sequence change affects codon 1165 of the KIF1B mRNA. It is a 'silent' change, meaning that it does not change the encoded amino acid sequence of the KIF1B protein. It affects a nucleotide within the consensus splice site. This variant is not present in population databases (gnomAD no frequency). This variant has not been reported in the literature in individuals affected with KIF1B-related conditions. Algorithms developed to predict the effect of sequence changes on RNA splicing suggest that this variant is not likely to affect RNA splicing. In summary, the available evidence is currently insufficient to determine the role of this variant in disease. Therefore, it has been classified as a Variant of Uncertain Significance.